The following is an entry in ClinVar:

ClinVar aggregate classification (germline): Likely benign. Review status: criteria provided, single submitter (1 of 4 stars). 2 submissions from 2 submitters: Likely benign (1). 1 of the submissions does not count toward it. Last evaluated 2023-06-14.

Conditions:
MECOM-related disorder. Also called: MECOM-related condition.

Allele frequency attached by ClinVar (database versions not stated): gnomAD 0.00001; gnomAD exomes 0.00001; TOPMed 0.00004.
gnomAD v4.1: 9 of 1,613,754 alleles (0.00056%); highest among the groups gnomAD compares: East Asian, 0.0067%; no homozygotes.

Submissions (2):

Labcorp Genetics (formerly Invitae), Labcorp
Classification: Likely benign. Last evaluated: 2023-06-14. Review status: criteria provided, single submitter. Criteria: Invitae Variant Classification Sherloc (09022015). Collection method: clinical testing. Allele origin: germline.

PreventionGenetics, part of Exact Sciences
Classification: Likely benign for MECOM-related condition. Last evaluated: 2020-10-30. Review status: no assertion criteria provided. Collection method: clinical testing. Allele origin: germline. Not counted in ClinVar's aggregate classification.
Comment: This variant is classified as likely benign based on ACMG/AMP sequence variant interpretation guidelines (Richards et al. 2015 PMID: 25741868, with internal and published modifications).

NM_004991.4(MECOM):c.603G>A (p.Pro201=)

Gene: MECOM (MDS1 and EVI1 complex locus; minus strand). Cytogenetic location: 3q26.2.
Variant type: single nucleotide variant.
Coding change: c.603G>A on transcript NM_004991.4 (MANE Select); coding-DNA position 603, G replaced by A.
Protein change: p.Pro201=; no amino-acid change (proline 201 retained).
Molecular consequence: synonymous variant.
Genome position (GRCh38, 1-based): chr3:169,131,439, C>T on the plus strand (G>A on the coding strand, the complement: MECOM is on the minus strand). VCF-style: chr3-169131439-C-T. GRCh37 (hg19) VCF-style: chr3-168849227-C-T.
Other names: c.231G>A, p.Pro77= (NM_001105077.4); c.39G>A, p.Pro13= (NM_001105078.4, NM_001163999.2, NM_001164000.2 and 9 more transcripts); c.603G>A, p.Pro201= (NM_001366466.2, NM_001366473.2); c.39G>A (NM_001105078.3).
Identifiers: ClinVar variation 2956460 (VCV002956460.5), dbSNP rs1247413105, ClinGen allele CA436707112.